The following is an entry in ClinVar:

NM_003923.3(FOXH1):c.685G>A (p.Glu229Lys)

Gene: FOXH1 (forkhead box H1; minus strand). Cytogenetic location: 8q24.3.
Variant type: single nucleotide variant.
Coding change: c.685G>A on transcript NM_003923.3 (MANE Select); coding-DNA position 685, G replaced by A.
Protein change: p.Glu229Lys; replaces glutamic acid 229 with lysine.
Molecular consequence: missense variant.
Genome position (GRCh38, 1-based): chr8:144,474,651, C>T on the plus strand (G>A on the coding strand, the complement: FOXH1 is on the minus strand). VCF-style: chr8-144474651-C-T. GRCh37 (hg19) VCF-style: chr8-145700034-C-T.
Other names: c.685G>A (NM_003923.2); short protein forms E229K.
Identifiers: ClinVar variation 1007245 (VCV001007245.6), dbSNP rs749154097, ClinGen allele CA4945470.

ClinVar aggregate classification (germline): Uncertain significance. Review status: criteria provided, multiple submitters, no conflicts (2 of 4 stars). 2 submissions from 2 submitters: Uncertain significance (2). Last evaluated 2025-12-15.

Conditions:
Inborn genetic diseases. Identifiers: MedGen C0950123, MeSH D030342.
Holoprosencephaly sequence (HPE). Also called: Holoprosencephaly. Identifiers: Orphanet 2162, MedGen C0079541, MONDO:0016296, HP:0001360.

Allele frequency attached by ClinVar (database versions not stated): TOPMed below 0.00001; ExAC 0.00002; gnomAD exomes 0.00003 and 0.00006.

Submissions (2):

Labcorp Genetics (formerly Invitae), Labcorp
Classification: Uncertain significance for Holoprosencephaly sequence. Last evaluated: 2025-12-15. Review status: criteria provided, single submitter. Criteria: Invitae Variant Classification Sherloc (09022015). Collection method: clinical testing. Allele origin: germline.
Comment: This sequence change replaces glutamic acid, which is acidic and polar, with lysine, which is basic and polar, at codon 229 of the FOXH1 protein (p.Glu229Lys). This variant is present in population databases (rs749154097, gnomAD 0.03%), and has an allele count higher than expected for a pathogenic variant. This variant has not been reported in the literature in individuals affected with FOXH1-related conditions. ClinVar contains an entry for this variant (Variation ID: 1007245). Invitae Evidence Modeling of protein sequence and biophysical properties (such as structural, functional, and spatial information, amino acid conservation, physicochemical variation, residue mobility, and thermodynamic stability) indicates that this missense variant is not expected to disrupt FOXH1 protein function with a negative predictive value of 80%. In summary, the available evidence is currently insufficient to determine the role of this variant in disease. Therefore, it has been classified as a Variant of Uncertain Significance.

Ambry Genetics
Classification: Uncertain significance for Inborn genetic diseases. Last evaluated: 2025-11-13. Review status: criteria provided, single submitter. Criteria: Ambry Variant Classification Scheme 2023. Collection method: clinical testing. Allele origin: germline.